The following is an entry in ClinVar:

NM_001378454.1(ALMS1):c.3502G>A (p.Ala1168Thr)

Gene: ALMS1 (ALMS1 centrosome and basal body associated protein; plus strand). Cytogenetic location: 2p13.1.
Variant type: single nucleotide variant.
Coding change: c.3502G>A on transcript NM_001378454.1 (MANE Select); coding-DNA position 3502, G replaced by A.
Protein change: p.Ala1168Thr; replaces alanine 1168 with threonine.
Molecular consequence: missense variant.
Genome position (GRCh38, 1-based): chr2:73,450,029, G>A. VCF-style: chr2-73450029-G-A. GRCh37 (hg19) VCF-style: chr2-73677156-G-A.
Other names: c.3505G>A, p.Ala1169Thr (NM_015120.4); short protein forms A1168T, A1169T.
Identifiers: ClinVar variation 3391784 (VCV003391784.2).

ClinVar aggregate classification (germline): Uncertain significance. Review status: criteria provided, multiple submitters, no conflicts (2 of 4 stars). 2 submissions from 2 submitters: Uncertain significance (2). Last evaluated 2025-11-06.

Conditions:
Alstrom syndrome (ALMS). Identifiers: Orphanet 64, MedGen C0268425, MONDO:0008763, OMIM 203800.

gnomAD v4.1: 2 of 1,613,722 alleles (0.00012%); highest among the groups gnomAD compares: South Asian, 0.0022%; no homozygotes.

Submissions (2):

Labcorp Genetics (formerly Invitae), Labcorp
Classification: Uncertain significance for Alstrom syndrome. Last evaluated: 2025-11-06. Review status: criteria provided, single submitter. Criteria: Invitae Variant Classification Sherloc (09022015). Collection method: clinical testing. Allele origin: germline.
Comment: This sequence change replaces alanine, which is neutral and non-polar, with threonine, which is neutral and polar, at codon 1169 of the ALMS1 protein (p.Ala1169Thr). This variant is present in population databases (no rsID available, gnomAD 0.003%). This variant has not been reported in the literature in individuals affected with ALMS1-related conditions. ClinVar contains an entry for this variant (Variation ID: 3391784). An algorithm developed to predict the effect of missense changes on protein structure and function outputs the following: PolyPhen-2: "Not Available". The threonine amino acid residue is found in multiple mammalian species, which suggests that this missense change does not adversely affect protein function. In summary, the available evidence is currently insufficient to determine the role of this variant in disease. Therefore, it has been classified as a Variant of Uncertain Significance.

GeneDx
Classification: Uncertain significance. Last evaluated: 2024-06-20. Review status: criteria provided, single submitter. Criteria: GeneDx Variant Classification Process June 2021. Collection method: clinical testing. Allele origin: germline. Affected: yes.
Comment: Not observed at significant frequency in large population cohorts (gnomAD); In silico analysis indicates that this missense variant does not alter protein structure/function; Has not been previously published as pathogenic or benign to our knowledge